The following is an entry in ClinVar:

NM_024675.4(PALB2):c.2918C>A (p.Thr973Lys)

Gene: PALB2 (partner and localizer of BRCA2; minus strand). Cytogenetic location: 16p12.2.
Variant type: single nucleotide variant.
Coding change: c.2918C>A on transcript NM_024675.4 (MANE Select); coding-DNA position 2918, C replaced by A.
Protein change: p.Thr973Lys; replaces threonine 973 with lysine.
Molecular consequence: missense variant.
Genome position (GRCh38, 1-based): chr16:23,623,047, G>T on the plus strand (C>A on the coding strand, the complement: PALB2 is on the minus strand). VCF-style: chr16-23623047-G-T. GRCh37 (hg19) VCF-style: chr16-23634368-G-T.
Other names: short protein forms T973K.
Identifiers: ClinVar variation 1004903 (VCV001004903.10), dbSNP rs1465745143, ClinGen allele CA395144199.
Genomic context (GRCh38, chr16:23,623,047, plus strand): 5'-GTCATGACTTCTACTTGTTGATCAGAAAGGGTCCCACTGCTACTAACTAGCCTCCTCTTT[G>T]TCAGGCCAAGCACAGCTTTTATATTTCCAGACTTCAGTAGTACTTGCTTTTCACTTTCAT-3'
Protein context (NP_078951.2, residues 963-983): SGNIKAVLGL[Thr973Lys]KRRLVSSSGT

ClinVar aggregate classification (germline): Uncertain significance. Review status: criteria provided, multiple submitters, no conflicts (2 of 4 stars). 2 submissions from 2 submitters: Uncertain significance (2). Last evaluated 2025-12-17.

Conditions:
Hereditary cancer-predisposing syndrome. Also called: Hereditary neoplastic syndrome; Neoplastic Syndromes, Hereditary; Tumor predisposition; Hereditary Cancer Syndrome. Identifiers: Orphanet 140162, MedGen C0027672, MeSH D009386, MONDO:0015356.
Familial cancer of breast. Also called: Hereditary breast cancer; hereditary breast carcinoma; BREAST CANCER, FAMILIAL. Identifiers: Orphanet 227535, MedGen C0346153, MONDO:0016419, OMIM 114480. Disease mechanism: loss of function.

gnomAD v4.1: 1 of 1,614,012 alleles (0.000062%); highest among the groups gnomAD compares: Non-Finnish European, 0.000085%; no homozygotes.

Submissions (2):

Labcorp Genetics (formerly Invitae), Labcorp
Classification: Uncertain significance for Familial cancer of breast. Last evaluated: 2025-12-17. Review status: criteria provided, single submitter. Criteria: Invitae Variant Classification Sherloc (09022015). Collection method: clinical testing. Allele origin: germline.
Comment: This sequence change replaces threonine, which is neutral and polar, with lysine, which is basic and polar, at codon 973 of the PALB2 protein (p.Thr973Lys). This variant is not present in population databases (gnomAD no frequency). This variant has not been reported in the literature in individuals affected with PALB2-related conditions. ClinVar contains an entry for this variant (Variation ID: 1004903). Invitae Evidence Modeling of protein sequence and biophysical properties (such as structural, functional, and spatial information, amino acid conservation, physicochemical variation, residue mobility, and thermodynamic stability) has been performed for this missense variant. However, the output from this modeling did not meet the statistical confidence thresholds required to predict the impact of this variant on PALB2 protein function. In summary, the available evidence is currently insufficient to determine the role of this variant in disease. Therefore, it has been classified as a Variant of Uncertain Significance.

Ambry Genetics
Classification: Uncertain significance for Hereditary cancer-predisposing syndrome. Last evaluated: 2024-09-02. Review status: criteria provided, single submitter. Criteria: Ambry Variant Classification Scheme 2023. Collection method: clinical testing. Allele origin: germline.
Comment: The p.T973K variant (also known as c.2918C>A), located in coding exon 9 of the PALB2 gene, results from a C to A substitution at nucleotide position 2918. The threonine at codon 973 is replaced by lysine, an amino acid with similar properties. This amino acid position is not well conserved in available vertebrate species. In addition, this alteration is predicted to be tolerated by in silico analysis. Since supporting evidence is limited at this time, the clinical significance of this alteration remains unclear.